The following is an entry in ClinVar:

ClinVar aggregate classification (germline): Likely benign (0 of 4 stars; one submission).

Conditions:
DENND4B-related disorder. Also called: DENND4B-related condition.

gnomAD v4.1: 6 of 1,596,122 alleles (0.00038%); highest among the groups gnomAD compares: East Asian, 0.014%; no homozygotes.

Submission:

PreventionGenetics, part of Exact Sciences
Classification: Likely benign for DENND4B-related condition. Last evaluated: 2019-06-25. Review status: no assertion criteria provided. Collection method: clinical testing. Allele origin: germline.
Comment: This variant is classified as likely benign based on ACMG/AMP sequence variant interpretation guidelines (Richards et al. 2015 PMID: 25741868, with internal and published modifications).

NM_014856.3(DENND4B):c.4115-3C>T

Gene: DENND4B (DENN domain containing 4B; minus strand). Cytogenetic location: 1q21.3.
Variant type: single nucleotide variant.
Coding change: c.4115-3C>T on transcript NM_014856.3 (MANE Select); 3 bases into the intron before coding-DNA position 4115, C replaced by T.
Molecular consequence: intron variant.
Genome position (GRCh38, 1-based): chr1:153,930,860, G>A on the plus strand (C>T on the coding strand, the complement: DENND4B is on the minus strand). VCF-style: chr1-153930860-G-A. GRCh37 (hg19) VCF-style: chr1-153903336-G-A.
Other names: c.4148-3C>T (NM_001367466.1).
Identifiers: ClinVar variation 3351462 (VCV003351462.1).